The following is an entry in ClinVar:

ClinVar aggregate classification (germline): Conflicting classifications of pathogenicity. Review status: criteria provided, conflicting classifications (1 of 4 stars). 2 submissions from 2 submitters: Pathogenic (1); Uncertain significance (1). Last evaluated 2026-02-05.

Conditions:
Hereditary cancer-predisposing syndrome. Also called: Neoplastic Syndromes, Hereditary; Hereditary neoplastic syndrome; Tumor predisposition; Hereditary Cancer Syndrome. Identifiers: Orphanet 140162, MedGen C0027672, MeSH D009386, MONDO:0015356.

Submissions (2):

Ambry Genetics
Classification: Uncertain significance for Hereditary cancer-predisposing syndrome. Last evaluated: 2026-02-05. Review status: criteria provided, single submitter. Criteria: Ambry Variant Classification Scheme 2023. Collection method: clinical testing. Allele origin: germline.
Comment: The c.5278delG variant, located in coding exon 39 of the POLE gene, results from a deletion of one nucleotide at nucleotide position 5278, causing a translational frameshift with a predicted alternate stop codon (p.V1760*). This alteration is expected to result in loss of function by premature protein truncation or nonsense-mediated mRNA decay. Although biallelic loss of function of POLE has been associated with autosomal recessive POLE deficiency, haploinsufficiency of POLE has not been established as a mechanism of disease for POLE-related polymerase proofreading-associated polyposis (PPAP) and POLE-related CMMRD-like syndrome. Based on the supporting evidence, this variant is expected to be causative of POLE deficiency when present along with a second pathogenic variant on the other allele; however, its clinical significance for PPAP and POLE-related CMMRD-like syndrome is unclear.

Labcorp Genetics (formerly Invitae), Labcorp
Classification: Pathogenic. Last evaluated: 2022-06-03. Review status: criteria provided, single submitter. Criteria: Invitae Variant Classification Sherloc (09022015). Collection method: clinical testing. Allele origin: germline.
Comment: This sequence change creates a premature translational stop signal (p.Val1760*) in the POLE gene. It is expected to result in an absent or disrupted protein product. Loss-of-function variants in POLE are known to be pathogenic (PMID: 23230001, 25948378, 30503519). This variant is not present in population databases (gnomAD no frequency). This variant has not been reported in the literature in individuals affected with POLE-related conditions. ClinVar contains an entry for this variant (Variation ID: 582276). For these reasons, this variant has been classified as Pathogenic.

Literature cited by the submitters: PubMed 23230001 (cited by Labcorp Genetics (formerly Invitae), Labcorp); PubMed 25948378 (cited by Labcorp Genetics (formerly Invitae), Labcorp); PubMed 30503519 (cited by Labcorp Genetics (formerly Invitae), Labcorp).

NM_006231.4(POLE):c.5278del (p.Asp1759_Val1760insTer)

Gene: POLE (DNA polymerase epsilon, catalytic subunit; minus strand). Cytogenetic location: 12q24.33.
Variant type: Deletion.
Coding change: c.5278del on transcript NM_006231.4 (MANE Select); coding-DNA position 5278, one base deleted (G; older notation c.5278delG).
Protein change: p.Asp1759_Val1760insTer.
Molecular consequence: nonsense.
Genome position (GRCh38, 1-based): chr12:132,641,747, C deleted on the plus strand (G on the coding strand, the reverse complement: POLE is on the minus strand). VCF-style (leftmost placement, unchanged base first): chr12-132641746-AC-A. GRCh37 (hg19) VCF-style: chr12-133218332-AC-A.
Other names: c.5278delG (NM_006231.3).
Identifiers: ClinVar variation 582276 (VCV000582276.14), dbSNP rs1565935966, ClinGen allele CA891843959.